The following is an entry in ClinVar:

ClinVar aggregate classification (germline): Pathogenic (1 of 4 stars; one submission).

Conditions:
Fanconi anemia (FA). Also called: Fanconi's anemia. Identifiers: Orphanet 84, MedGen C0015625, MeSH D005199, MONDO:0019391.

Submission:

Labcorp Genetics (formerly Invitae), Labcorp
Classification: Pathogenic for Fanconi anemia. Last evaluated: 2023-11-16. Review status: criteria provided, single submitter. Criteria: Invitae Variant Classification Sherloc (09022015). Collection method: clinical testing. Allele origin: germline.
Comment: This sequence change creates a premature translational stop signal (p.Ile1012Asnfs*14) in the FANCD2 gene. It is expected to result in an absent or disrupted protein product. Loss-of-function variants in FANCD2 are known to be pathogenic (PMID: 17436244). This variant is not present in population databases (gnomAD no frequency). This variant has not been reported in the literature in individuals affected with FANCD2-related conditions. For these reasons, this variant has been classified as Pathogenic.

Literature cited by the submitters: PubMed 17436244.

NM_001018115.3(FANCD2):c.3034dup (p.Ile1012fs)

Gene: FANCD2 (FA complementation group D2; plus strand). Cytogenetic location: 3p25.3.
Variant type: Duplication.
Coding change: c.3034dup on transcript NM_001018115.3 (MANE Select); coding-DNA position 3034, one base duplicated (A; older notation c.3034dupA).
Protein change: p.Ile1012fs; shifts the reading frame from isoleucine 1012.
Molecular consequence: frameshift variant.
Genome position (GRCh38, 1-based): chr3:10,081,157, A duplicated; the last of 3 consecutive A bases (chr3:10,081,155-10,081,157); duplicating any one gives the same sequence. VCF-style (leftmost placement, unchanged base first): chr3-10081154-G-GA. GRCh37 (hg19) VCF-style: chr3-10122838-G-GA.
Other names: c.3034dup, p.Ile1012fs (NM_001319984.2, NM_001374254.1, NM_033084.6); c.2923dup, p.Ile975fs (NM_001374253.1); short protein forms I1012fs, I975fs.
Identifiers: ClinVar variation 3020160 (VCV003020160.3), dbSNP rs2470014781, ClinGen allele CA2740094303.